The following is an entry in ClinVar:

NM_000038.6(APC):c.477del (p.Tyr158_Tyr159insTer)

Gene: APC (APC regulator of Wnt signaling pathway; plus strand). Cytogenetic location: 5q22.2.
Variant type: Deletion.
Coding change: c.477del on transcript NM_000038.6 (MANE Select); coding-DNA position 477, one base deleted (C; older notation c.477delC).
Protein change: p.Tyr158_Tyr159insTer.
Molecular consequence: nonsense. On other transcripts: 5 prime UTR variant (1).
Genome position (GRCh38, 1-based): chr5:112,775,683, C deleted. VCF-style (leftmost placement, unchanged base first): chr5-112775682-AC-A. GRCh37 (hg19) VCF-style: chr5-112111379-AC-A.
Other names: c.477del, p.Tyr158_Tyr159insTer (NM_001127510.3, NM_001354895.2, NM_001354896.2 and 2 more transcripts); c.507del, p.Tyr168_Tyr169insTer (NM_001127511.3, NM_001354897.2, NM_001354902.2); c.402del, p.Tyr133_Tyr134insTer (NM_001354898.2, NM_001354904.2); c.300del, p.Tyr99_Tyr100insTer (NM_001354900.2, NM_001354901.2, NM_001354905.2); c.-559del (NM_001354906.2); c.477del (NM_000038.5).
Identifiers: ClinVar variation 180587 (VCV000180587.14), dbSNP rs730880250, ClinGen allele CA009748.

ClinVar aggregate classification (germline): Pathogenic. Review status: criteria provided, multiple submitters, no conflicts (2 of 4 stars). 5 submissions from 5 submitters: Pathogenic (4). 1 of the submissions does not count toward it. Last evaluated 2025-12-10.

Conditions:
Hereditary cancer-predisposing syndrome. Also called: Hereditary Cancer Syndrome; Neoplastic Syndromes, Hereditary; Tumor predisposition; Hereditary neoplastic syndrome. Identifiers: Orphanet 140162, MedGen C0027672, MeSH D009386, MONDO:0015356.
Familial adenomatous polyposis 1 (FAP1). Also called: FAMILIAL ADENOMATOUS POLYPOSIS 1, ATTENUATED; POLYPOSIS, ADENOMATOUS INTESTINAL. Identifiers: MedGen C2713442, MONDO:0021056, OMIM 175100. Disease mechanism: loss of function.

Submissions (5):

Ambry Genetics
Classification: Pathogenic for Hereditary cancer-predisposing syndrome. Last evaluated: 2025-12-10. Review status: criteria provided, single submitter. Criteria: Ambry Variant Classification Scheme 2023. Collection method: clinical testing. Allele origin: germline.
Comment: The c.477delC pathogenic mutation, located in coding exon 4 of the APC gene, results from a deletion of one nucleotide at nucleotide position 477, causing a translational frameshift with a predicted alternate stop codon (p.Y159*). This variant is considered to be rare based on population cohorts in the Genome Aggregation Database (gnomAD). This alteration is expected to result in loss of function by premature protein truncation or nonsense-mediated mRNA decay. As such, this alteration is interpreted as a disease-causing mutation.

Myriad Genetics, Inc.
Classification: Pathogenic for Familial adenomatous polyposis 1. Last evaluated: 2023-04-26. Review status: criteria provided, single submitter. Criteria: Myriad Autosomal Dominant, Autosomal Recessive and X-Linked Classification Criteria (2023). Collection method: clinical testing. Allele origin: unknown.
Comment: This variant is considered pathogenic. This variant creates a termination codon and is predicted to result in premature protein truncation.

Labcorp Genetics (formerly Invitae), Labcorp
Classification: Pathogenic for Familial adenomatous polyposis 1. Last evaluated: 2019-08-17. Review status: criteria provided, single submitter. Criteria: Invitae Variant Classification Sherloc (09022015). Collection method: clinical testing. Allele origin: germline.
Comment: This sequence change creates a premature translational stop signal (p.Tyr159*) in the APC gene. It is expected to result in an absent or disrupted protein product. This variant is not present in population databases (ExAC no frequency). This variant has not been reported in the literature in individuals with APC-related conditions. Different variants (c.476dup, c.477C>A, c.477C>G) giving rise to the same protein effect observed here (p.Tyr159*) have been observed in individuals affected with familial adenomatous polyposis (PMID: 20685668, 27623068, 8956059). ClinVar contains an entry for this variant (Variation ID: 180587). Loss-of-function variants in APC are known to be pathogenic (PMID: 17963004, 20685668). For these reasons, this variant has been classified as Pathogenic.

GeneDx
Classification: Pathogenic. Last evaluated: 2017-08-09. Review status: criteria provided, single submitter. Criteria: GeneDx Variant Classification (06012015). Collection method: clinical testing. Allele origin: germline. Affected: yes.
Comment: This deletion of one nucleotide is denoted APC c.477delC at the cDNA level and p.Tyr159Ter (Y159X) at the protein level. The normal sequence, with the base that is deleted in brackets, is ATTA[delC]GCTC. The deletion creates a nonsense variant, which changes a Tyrosine to a premature stop codon. This variant is predicted to cause loss of normal protein function through either protein truncation or nonsense-mediated mRNA decay. APC c.477delC has been observed in at least one individual with a clinical presentation of attenuated FAP (Declich 2006). We consider this variant to be pathogenic.

Pathway Genomics
Classification: Pathogenic for Adenomatous polyposis coli. Last evaluated: 2014-11-03. Review status: no assertion criteria provided. Collection method: clinical testing. Allele origin: germline. Not counted in ClinVar's aggregate classification.

Literature cited by the submitters: PubMed 20685668 (cited by Labcorp Genetics (formerly Invitae), Labcorp); PubMed 27623068 (cited by Labcorp Genetics (formerly Invitae), Labcorp); PubMed 8956059 (cited by Labcorp Genetics (formerly Invitae), Labcorp); PubMed 17963004 (cited by Labcorp Genetics (formerly Invitae), Labcorp).